The following is an entry in ClinVar:

ClinVar aggregate classification (germline): Uncertain significance (1 of 4 stars; one submission).

Conditions:
Epileptic encephalopathy. Identifiers: MedGen C0543888, HP:0200134.

Allele frequency attached by ClinVar (database versions not stated): ExAC 0.00001; gnomAD 0.00001; gnomAD exomes 0.00001; TOPMed 0.00001.
gnomAD v4.1: 11 of 1,609,178 alleles (0.00068%); highest among the groups gnomAD compares: Non-Finnish European, 0.00085%; no homozygotes.

Submission:

Labcorp Genetics (formerly Invitae), Labcorp
Classification: Uncertain significance for Epileptic encephalopathy. Last evaluated: 2022-06-13. Review status: criteria provided, single submitter. Criteria: Invitae Variant Classification Sherloc (09022015). Collection method: clinical testing. Allele origin: germline.
Comment: In summary, the available evidence is currently insufficient to determine the role of this variant in disease. Therefore, it has been classified as a Variant of Uncertain Significance. Algorithms developed to predict the effect of missense changes on protein structure and function are either unavailable or do not agree on the potential impact of this missense change (SIFT: "Deleterious"; PolyPhen-2: "Possibly Damaging"; Align-GVGD: "Class C0"). ClinVar contains an entry for this variant (Variation ID: 1059999). This variant has not been reported in the literature in individuals affected with FASN-related conditions. This variant is present in population databases (rs746992694, gnomAD 0.002%). This sequence change replaces proline, which is neutral and non-polar, with leucine, which is neutral and non-polar, at codon 1559 of the FASN protein (p.Pro1559Leu).

NM_004104.5(FASN):c.4676C>T (p.Pro1559Leu)

Gene: FASN (fatty acid synthase; minus strand). Cytogenetic location: 17q25.3.
Variant type: single nucleotide variant.
Coding change: c.4676C>T on transcript NM_004104.5 (MANE Select); coding-DNA position 4676, C replaced by T.
Protein change: p.Pro1559Leu; replaces proline 1559 with leucine.
Molecular consequence: missense variant.
Genome position (GRCh38, 1-based): chr17:82,084,605, G>A on the plus strand (C>T on the coding strand, the complement: FASN is on the minus strand). VCF-style: chr17-82084605-G-A. GRCh37 (hg19) VCF-style: chr17-80042481-G-A.
Other names: short protein forms P1559L.
Identifiers: ClinVar variation 1059999 (VCV001059999.9), dbSNP rs746992694, ClinGen allele CA8851973.